The following is an entry in ClinVar:

ClinVar aggregate classification (germline): Pathogenic. Review status: criteria provided, multiple submitters, no conflicts (2 of 4 stars). 2 submissions from 2 submitters: Pathogenic (2). Last evaluated 2024-03-04.

Conditions:
Methylmalonic aciduria, cblA type (MACA). Also called: Vitamin B12-responsive methylmalonic acidemia type cblA; Methylmalonic aciduria, vitamin B12-responsive; Methylmalonic aciduria, vitamin b12-responsive, due to defect in synthesis of adenosylcobalamin, cbla complementation type; MMA cbl A type; Methylmalonic acidemia cblA type. Identifiers: Orphanet 28, Orphanet 79310, MedGen C1855109, MONDO:0009613, OMIM 251100.

gnomAD v4.1: 1 of 1,614,170 alleles (0.000062%); highest among the groups gnomAD compares: Non-Finnish European, 0.000085%; no homozygotes.

Submissions (2):

Baylor Genetics
Classification: Pathogenic for Methylmalonic aciduria, cblA type. Last evaluated: 2024-03-04. Review status: criteria provided, single submitter. Criteria: ACMG Guidelines, 2015. Collection method: clinical testing. Allele origin: unknown.

Labcorp Genetics (formerly Invitae), Labcorp
Classification: Pathogenic for Methylmalonic aciduria, cblA type. Last evaluated: 2023-04-19. Review status: criteria provided, single submitter. Criteria: Invitae Variant Classification Sherloc (09022015). Collection method: clinical testing. Allele origin: germline.
Comment: For these reasons, this variant has been classified as Pathogenic. This variant disrupts a region of the MMAA protein in which other variant(s) (p.His382Profs*24) have been determined to be pathogenic (PMID: 33453710; Invitae). This suggests that this is a clinically significant region of the protein, and that variants that disrupt it are likely to be disease-causing. Experimental studies and prediction algorithms are not available or were not evaluated, and the functional significance of this variant is currently unknown. ClinVar contains an entry for this variant (Variation ID: 1954560). This premature translational stop signal has been observed in individual(s) with methylmalonic acidemia (PMID: 33453710). This variant is present in population databases (no rsID available, gnomAD 0.0009%). This sequence change creates a premature translational stop signal (p.Glu373*) in the MMAA gene. While this is not anticipated to result in nonsense mediated decay, it is expected to disrupt the last 46 amino acid(s) of the MMAA protein.

Literature cited by the submitters: PubMed 33453710 (cited by Labcorp Genetics (formerly Invitae), Labcorp).

NM_172250.3(MMAA):c.1117G>T (p.Glu373Ter)

Gene: MMAA (metabolism of cobalamin associated A; plus strand). Cytogenetic location: 4q31.21.
Variant type: single nucleotide variant.
Coding change: c.1117G>T on transcript NM_172250.3 (MANE Select); coding-DNA position 1117, G replaced by T.
Protein change: p.Glu373Ter; replaces glutamic acid 373 with a stop codon.
Molecular consequence: nonsense.
Genome position (GRCh38, 1-based): chr4:145,655,294, G>T. VCF-style: chr4-145655294-G-T. GRCh37 (hg19) VCF-style: chr4-146576446-G-T.
Other names: c.1117G>T, p.Glu373Ter (NM_001375644.1); short protein forms E373*.
Identifiers: ClinVar variation 1954560 (VCV001954560.6), dbSNP rs1311110494, ClinGen allele CA358346175.